The following is an entry in ClinVar:

ClinVar aggregate classification (germline): Conflicting classifications of pathogenicity. Review status: criteria provided, conflicting classifications (1 of 4 stars). 3 submissions from 3 submitters: Likely pathogenic (1); Uncertain significance (2). Last evaluated 2025-08-13.

Conditions:
Autosomal recessive limb-girdle muscular dystrophy type 2A (LGMDR1). Also called: Muscular dystrophy, limb-girdle, type 2A, Amish; LEYDEN-MOEBIUS MUSCULAR DYSTROPHY; MUSCULAR DYSTROPHY, PELVOFEMORAL; Limb-girdle muscular dystrophy, type 2A; Calpainopathy. Identifiers: Orphanet 267, MedGen C1869123, MONDO:0009675, OMIM 253600. Disease mechanism: loss of function.

gnomAD v4.1: 1 of 1,562,580 alleles (0.000064%); highest among the groups gnomAD compares: Non-Finnish European, 0.000087%; no homozygotes.

Submissions (3):

Dasa
Classification: Likely pathogenic. Last evaluated: 2025-08-13. Review status: criteria provided, single submitter. Criteria: DASA Assertion Criteria. Collection method: clinical testing. Allele origin: germline.
Comment: NM_000070.3(CAPN3):c.1063C>G (p.Arg355Gly) is a missense variant that results in the substitution of arginine with glycine. The affected residue or protein region has prior evidence supporting clinical relevance. This variant has been reported in individuals with CAPN3-related disorders (PMID: 27264265). Functional evidence supports an impact on the gene or gene product. Also, this variant is rare in population databases. Computational evidence supports a deleterious effect. Based on the currently available evidence, this variant is classified as likely pathogenic.

Labcorp Genetics (formerly Invitae), Labcorp
Classification: Uncertain significance for Autosomal recessive limb-girdle muscular dystrophy type 2A. Last evaluated: 2025-06-30. Review status: criteria provided, single submitter. Criteria: Invitae Variant Classification Sherloc (09022015). Collection method: clinical testing. Allele origin: germline.
Comment: This sequence change replaces arginine, which is basic and polar, with glycine, which is neutral and non-polar, at codon 355 of the CAPN3 protein (p.Arg355Gly). This variant is not present in population databases (gnomAD no frequency). This missense change has been observed in individual(s) with limb-girdle muscular dystrophy (PMID: 16650086). ClinVar contains an entry for this variant (Variation ID: 3629843). Invitae Evidence Modeling of protein sequence and biophysical properties (such as structural, functional, and spatial information, amino acid conservation, physicochemical variation, residue mobility, and thermodynamic stability) indicates that this missense variant is expected to disrupt CAPN3 protein function with a positive predictive value of 80%. Studies have shown that this missense change alters mRNA splicing and is expected to lead to the loss of protein expression (PMID: 32668095). In summary, the available evidence is currently insufficient to determine the role of this variant in disease. Therefore, it has been classified as a Variant of Uncertain Significance.

Women's Health and Genetics/Laboratory Corporation of America, LabCorp
Classification: Uncertain significance. Last evaluated: 2024-11-04. Review status: criteria provided, single submitter. Criteria: LabCorp Variant Classification Summary - May 2015. Collection method: clinical testing. Allele origin: germline.
Comment: Variant summary: CAPN3 c.1063C>G (p.Arg355Gly) results in a non-conservative amino acid change in the encoded protein sequence. Five of five in-silico tools predict a damaging effect of the variant on protein function. Consensus agreement among computation tools predict no significant impact on normal splicing. However, the variant showed skipping of exon 8 in a minigene assay, but the report does not provide quantification of the results (example: Dionnet_2020). The frequency data for this variant in gnomAD is considered unreliable, as metrics indicate poor data quality at this position. c.1063C>G has been reported in the literature in at least an individual affected with Limb-Girdle Muscular Dystrophy, Autosomal Recessive (example: Krahn_2006). These data do not allow any conclusion about variant significance. To our knowledge, no experimental evidence demonstrating an impact on protein function has been reported. The following publications have been ascertained in the context of this evaluation (PMID: 32668095, 16650086). No submitters have cited clinical-significance assessments for this variant to ClinVar. Based on the evidence outlined above, the variant was classified as uncertain significance.

Literature cited by the submitters: PubMed 27264265 (cited by Dasa); PubMed 25910067 (cited by Dasa); PubMed 25754095 (cited by Dasa); PubMed 25658530 (cited by Dasa); PubMed 21983161 (cited by Dasa); PubMed 31328366 (cited by Dasa); PubMed 33374015 (cited by Dasa); PubMed 30134826 (cited by Dasa); PubMed 23430892 (cited by Dasa); PubMed 32668095 (cited by 3 submitters); PubMed 16650086 (cited by Labcorp Genetics (formerly Invitae), Labcorp and Women's Health and Genetics/Laboratory Corporation of America, LabCorp).

NM_000070.3(CAPN3):c.1063C>G (p.Arg355Gly)

Gene: CAPN3 (calpain 3; plus strand). Cytogenetic location: 15q15.1.
Variant type: single nucleotide variant.
Coding change: c.1063C>G on transcript NM_000070.3 (MANE Select); coding-DNA position 1063, C replaced by G.
Protein change: p.Arg355Gly; replaces arginine 355 with glycine.
Molecular consequence: missense variant.
Genome position (GRCh38, 1-based): chr15:42,394,289, C>G. VCF-style: chr15-42394289-C-G. GRCh37 (hg19) VCF-style: chr15-42686487-C-G.
Other names: c.1063C>G, p.Arg355Gly (NM_024344.2); c.919C>G, p.Arg307Gly (NM_173087.2); short protein forms R307G, R355G.
Identifiers: ClinVar variation 3629843 (VCV003629843.4), dbSNP rs749099493.
Genomic context (GRCh38, chr15:42,394,289, plus strand): 5'-CATGAGAGCTCTTTCTGTGTGCTTAAGGTCCCGTTCAAAGGTGAGAAAGTGAAGCTGGTG[C>G]GGCTGCGGAATCCGTGGGGCCAGGTGGAGTGGAACGGTTCTTGGAGTGATAGGTAGGTGA-3'
Protein context (NP_000061.1, residues 345-365): PFKGEKVKLV[Arg355Gly]LRNPWGQVEW